The following is an entry in ClinVar:

NM_001329943.3(KIAA0586):c.3144+3A>G

Gene: KIAA0586 (KIAA0586; plus strand). Cytogenetic location: 14q23.1.
Variant type: single nucleotide variant.
Coding change: c.3144+3A>G on transcript NM_001329943.3 (MANE Select); 3 bases into the intron after coding-DNA position 3144, A replaced by G.
Molecular consequence: intron variant.
Genome position (GRCh38, 1-based): chr14:58,482,715, A>G. VCF-style: chr14-58482715-A-G. GRCh37 (hg19) VCF-style: chr14-58949433-A-G.
Other names: c.3303+3A>G (NM_001244189.2); c.3099+3A>G (NM_001244190.2); c.3012+3A>G (NM_001244192.2); c.2889+3A>G (NM_001244191.2, NM_001364701.2, NM_001329945.2 and 1 more transcripts); c.3144+3A>G (NM_001329944.2, NM_001329946.2, NM_001329947.2); c.2916+3A>G (NM_014749.5); c.2724+3A>G (NM_001244193.2).
Identifiers: ClinVar variation 1356398 (VCV001356398.6), dbSNP rs956345090, ClinGen allele CA261645064.

ClinVar aggregate classification (germline): Uncertain significance (1 of 4 stars; one submission).

Conditions:
Joubert syndrome 23 (JBTS23). Identifiers: Orphanet 475, MedGen C4084822, MONDO:0014664, OMIM 616490.
Short-rib thoracic dysplasia 14 with polydactyly (SRTD14). Identifiers: Orphanet 397715, MedGen C4225286, MONDO:0014688, OMIM 616546.

Allele frequency attached by ClinVar (database versions not stated): gnomAD exomes below 0.00001; TOPMed 0.00001.
gnomAD v4.1: 1 of 1,545,058 alleles (0.000065%); highest among the groups gnomAD compares: African/African-American, 0.0014%; no homozygotes.

Submission:

Labcorp Genetics (formerly Invitae), Labcorp
Classification: Uncertain significance for Joubert syndrome 23; Short-rib thoracic dysplasia 14 with polydactyly. Last evaluated: 2021-09-20. Review status: criteria provided, single submitter. Criteria: Invitae Variant Classification Sherloc (09022015). Collection method: clinical testing. Allele origin: germline.
Comment: This sequence change falls in intron 23 of the KIAA0586 gene. It does not directly change the encoded amino acid sequence of the KIAA0586 protein. It affects a nucleotide within the consensus splice site of the intron. This variant is not present in population databases (ExAC no frequency). This variant has not been reported in the literature in individuals affected with KIAA0586-related conditions. Variants that disrupt the consensus splice site are a relatively common cause of aberrant splicing (PMID: 17576681, 9536098). Algorithms developed to predict the effect of sequence changes on RNA splicing suggest that this variant may disrupt the consensus splice site. In summary, the available evidence is currently insufficient to determine the role of this variant in disease. Therefore, it has been classified as a Variant of Uncertain Significance.

Literature cited by the submitters: PubMed 17576681; PubMed 9536098.